The following is an entry in ClinVar:

ClinVar aggregate classification (germline): Uncertain significance (1 of 4 stars; one submission).

Conditions:
3-Methylglutaconic aciduria type 2 (BTHS). Also called: Barth syndrome; CARDIOSKELETAL MYOPATHY WITH NEUTROPENIA AND ABNORMAL MITOCHONDRIA. Identifiers: Orphanet 111, MedGen C0574083, MONDO:0010543, OMIM 302060.

Submission:

Labcorp Genetics (formerly Invitae), Labcorp
Classification: Uncertain significance for 3-Methylglutaconic aciduria type 2. Last evaluated: 2019-04-09. Review status: criteria provided, single submitter. Criteria: Invitae Variant Classification Sherloc (09022015). Collection method: clinical testing. Allele origin: germline.
Comment: In summary, the available evidence is currently insufficient to determine the role of this variant in disease. Therefore, it has been classified as a Variant of Uncertain Significance. This sequence change replaces proline with leucine at codon 76 of the TAZ protein (p.Pro76Leu). The proline residue is highly conserved and there is a moderate physicochemical difference between proline and leucine. This variant is not present in population databases (ExAC no frequency). This variant has not been reported in the literature in individuals with TAZ-related conditions. Algorithms developed to predict the effect of missense changes on protein structure and function (SIFT, PolyPhen-2, Align-GVGD) all suggest that this variant is likely to be disruptive, but these predictions have not been confirmed by published functional studies and their clinical significance is uncertain.

NM_000116.5(TAFAZZIN):c.227C>T (p.Pro76Leu)

Gene: TAFAZZIN (tafazzin, phospholipid-lysophospholipid transacylase; plus strand). Cytogenetic location: Xq28.
Variant type: single nucleotide variant.
Coding change: c.227C>T on transcript NM_000116.5 (MANE Select); coding-DNA position 227, C replaced by T.
Protein change: p.Pro76Leu; replaces proline 76 with leucine.
Molecular consequence: missense variant. On other transcripts: non-coding transcript variant (1).
Genome position (GRCh38, 1-based): chrX:154,412,203, C>T. VCF-style: chrX-154412203-C-T. GRCh37 (hg19) VCF-style: chrX-153640540-C-T.
Other names: c.281C>T, p.Pro94Leu (NM_001303465.2); c.227C>T, p.Pro76Leu (NM_181311.4, NM_181312.4, NM_181313.4); short protein forms P94L, P76L.
Identifiers: ClinVar variation 950993 (VCV000950993.5), dbSNP rs878853654, ClinGen allele CA415180211.
Genomic context (GRCh38, chrX:154,412,203, plus strand): 5'-AGCGAGGCCCGGCCACGCCCCTCATCACCGTGTCCAATCACCAGTCCTGCATGGACGACC[C>T]TCATCTCTGGGGTACCCGGGCCAGTGTGCTGGGCAGGGGGAGGAAAGGCGAGGATTCGGG-3'
Protein context (NP_000107.1, residues 66-86): VSNHQSCMDD[Pro76Leu]HLWGILKLRH